The following is an entry in ClinVar:

NM_001042492.3(NF1):c.1841del (p.Asn614fs)

Gene: NF1 (neurofibromin 1; plus strand). Cytogenetic location: 17q11.2.
Variant type: Deletion.
Coding change: c.1841del on transcript NM_001042492.3 (MANE Select); coding-DNA position 1841, one base deleted (A; older notation c.1841delA).
Protein change: p.Asn614fs; shifts the reading frame from asparagine 614.
Molecular consequence: frameshift variant.
Genome position (GRCh38, 1-based): chr17:31,223,563, A deleted; the last of 5 consecutive A bases (chr17:31,223,559-31,223,563); deleting any one gives the same sequence. VCF-style (leftmost placement, unchanged base first): chr17-31223558-TA-T. GRCh37 (hg19) VCF-style: chr17-29550576-TA-T.
Other names: c.1841del, p.Asn614fs (NM_000267.4); short protein forms N614fs.
Identifiers: ClinVar variation 5025570 (VCV005025570.1).
Genomic context (GRCh38, chr17:31,223,558, plus strand): 5'-TAGCACAGAAATTCTCAAGTGGTTGCGGGAAATATTGATCTGCAGGAATAAATTTCTTCT[TA>T]AAAATAAGGTAAGCAAAATGACATATTTAAAAAATGGAAGAATATTTGGAATGGTAATGG-3'

ClinVar aggregate classification (germline): Pathogenic (1 of 4 stars; one submission).

Conditions:
Cardiovascular phenotype. Identifiers: MedGen CN230736.
Hereditary cancer-predisposing syndrome. Also called: Neoplastic Syndromes, Hereditary; Tumor predisposition; Hereditary neoplastic syndrome; Hereditary Cancer Syndrome. Identifiers: Orphanet 140162, MedGen C0027672, MeSH D009386, MONDO:0015356.

Submission:

Ambry Genetics
Classification: Pathogenic for Cardiovascular phenotype; Hereditary cancer-predisposing syndrome. Last evaluated: 2026-07-17. Review status: criteria provided, single submitter. Criteria: Ambry Variant Classification Scheme 2023. Collection method: clinical testing. Allele origin: germline.
Comment: The c.1841delA pathogenic mutation, located in coding exon 16 of the NF1 gene, results from a deletion of one nucleotide at nucleotide position 1841, causing a translational frameshift with a predicted alternate stop codon (p.N614Ifs*17). This variant is considered to be rare based on population cohorts in the Genome Aggregation Database (gnomAD). This alteration is expected to result in loss of function by premature protein truncation or nonsense-mediated mRNA decay. As such, this alteration is interpreted as a disease-causing mutation.